The following is an entry in ClinVar:

NM_007374.3(SIX6):c.145A>G (p.Lys49Glu)

Genes: C14orf39 (chromosome 14 open reading frame 39; minus strand), SIX6 (SIX homeobox 6; plus strand). Cytogenetic location: 14q23.1.
Variant type: single nucleotide variant.
Coding change: c.145A>G on transcript NM_007374.3 (MANE Select); coding-DNA position 145, A replaced by G.
Protein change: p.Lys49Glu; replaces lysine 49 with glutamic acid.
Molecular consequence: missense variant.
Genome position (GRCh38, 1-based): chr14:60,509,543, A>G. VCF-style: chr14-60509543-A-G. GRCh37 (hg19) VCF-style: chr14-60976261-A-G.
Other names: short protein forms K49E.
Identifiers: ClinVar variation 2119810 (VCV002119810.4), dbSNP rs2503605232, ClinGen allele CA390086289.

ClinVar aggregate classification (germline): Uncertain significance (1 of 4 stars; one submission).

Submission:

Labcorp Genetics (formerly Invitae), Labcorp
Classification: Uncertain significance. Last evaluated: 2022-03-31. Review status: criteria provided, single submitter. Criteria: Invitae Variant Classification Sherloc (09022015). Collection method: clinical testing. Allele origin: germline.
Comment: In summary, the available evidence is currently insufficient to determine the role of this variant in disease. Therefore, it has been classified as a Variant of Uncertain Significance. Algorithms developed to predict the effect of missense changes on protein structure and function (SIFT, PolyPhen-2, Align-GVGD) all suggest that this variant is likely to be tolerated. This variant has not been reported in the literature in individuals affected with SIX6-related conditions. This variant is not present in population databases (gnomAD no frequency). This sequence change replaces lysine, which is basic and polar, with glutamic acid, which is acidic and polar, at codon 49 of the SIX6 protein (p.Lys49Glu).